The following is an entry in ClinVar:

NM_005591.4(MRE11):c.1807A>G (p.Thr603Ala)

Gene: MRE11 (MRE11 double strand break repair nuclease; minus strand). Cytogenetic location: 11q21.
Variant type: single nucleotide variant.
Coding change: c.1807A>G on transcript NM_005591.4 (MANE Select); coding-DNA position 1807, A replaced by G.
Protein change: p.Thr603Ala; replaces threonine 603 with alanine.
Molecular consequence: missense variant. On other transcripts: intron variant (1).
Genome position (GRCh38, 1-based): chr11:94,445,870, T>C on the plus strand (A>G on the coding strand, the complement: MRE11 is on the minus strand). VCF-style: chr11-94445870-T-C. GRCh37 (hg19) VCF-style: chr11-94179036-T-C.
Other names: c.1804A>G, p.Thr602Ala (NM_001330347.2); c.1783+1349A>G (NM_005590.4); short protein forms T603A, T602A.
Identifiers: ClinVar variation 232608 (VCV000232608.14), dbSNP rs751657849, ClinGen allele CA6234985.

ClinVar aggregate classification (germline): Uncertain significance. Review status: criteria provided, multiple submitters, no conflicts (2 of 4 stars). 4 submissions from 4 submitters: Uncertain significance (4). Last evaluated 2025-09-09.

Conditions:
Ataxia-telangiectasia-like disorder 1 (ATLD1). Identifiers: Orphanet 251347, MedGen C4012790, MONDO:0024557, OMIM 604391.
Hereditary cancer-predisposing syndrome. Also called: Neoplastic Syndromes, Hereditary; Tumor predisposition; Hereditary Cancer Syndrome; Hereditary neoplastic syndrome. Identifiers: Orphanet 140162, MedGen C0027672, MeSH D009386, MONDO:0015356.
Ataxia-telangiectasia-like disorder (ATLD). Identifiers: MedGen C1858391, MONDO:0011457.

Allele frequency attached by ClinVar (database versions not stated): gnomAD exomes below 0.00001; ExAC 0.00001; TOPMed 0.00001.
gnomAD v4.1: 11 of 1,613,644 alleles (0.00068%); highest among the groups gnomAD compares: African/African-American, 0.0013%; no homozygotes.

Submissions (4):

Labcorp Genetics (formerly Invitae), Labcorp
Classification: Uncertain significance for Ataxia-telangiectasia-like disorder. Last evaluated: 2025-09-09. Review status: criteria provided, single submitter. Criteria: Invitae Variant Classification Sherloc (09022015). Collection method: clinical testing. Allele origin: germline.
Comment: This sequence change replaces threonine, which is neutral and polar, with alanine, which is neutral and non-polar, at codon 603 of the MRE11 protein (p.Thr603Ala). This variant is present in population databases (rs751657849, gnomAD 0.0009%). This variant has not been reported in the literature in individuals affected with MRE11-related conditions. ClinVar contains an entry for this variant (Variation ID: 232608). An algorithm developed to predict the effect of missense changes on protein structure and function outputs the following: PolyPhen-2: "Benign". The alanine amino acid residue is found in multiple mammalian species, which suggests that this missense change does not adversely affect protein function. In summary, the available evidence is currently insufficient to determine the role of this variant in disease. Therefore, it has been classified as a Variant of Uncertain Significance.

Ambry Genetics
Classification: Uncertain significance for Hereditary cancer-predisposing syndrome. Last evaluated: 2025-06-14. Review status: criteria provided, single submitter. Criteria: Ambry Variant Classification Scheme 2023. Collection method: clinical testing. Allele origin: germline.
Comment: The p.T603A variant (also known as c.1807A>G), located in coding exon 15 of the MRE11A gene, results from an A to G substitution at nucleotide position 1807. The threonine at codon 603 is replaced by alanine, an amino acid with similar properties. This amino acid position is well conserved in available vertebrate species. In addition, this alteration is predicted to be tolerated by in silico analysis. Since supporting evidence is limited at this time, the clinical significance of this alteration remains unclear.

Revvity Omics, Revvity
Classification: Uncertain significance for Ataxia-telangiectasia-like disorder 1. Last evaluated: 2019-06-28. Review status: criteria provided, single submitter. Criteria: ACMG Guidelines, 2015. Collection method: clinical testing. Allele origin: germline.

GeneKor MSA
Classification: Uncertain significance for Hereditary cancer-predisposing syndrome. Last evaluated: 2018-08-01. Review status: criteria provided, single submitter. Criteria: ACMG Guidelines, 2015. Collection method: clinical testing. Allele origin: germline. Affected: no.